The following is an entry in ClinVar:

ClinVar aggregate classification (germline): Uncertain significance (1 of 4 stars; one submission).

Allele frequency attached by ClinVar (database versions not stated): gnomAD exomes below 0.00001; TOPMed 0.00002.
gnomAD v4.1: 2 of 1,568,312 alleles (0.00013%); highest among the groups gnomAD compares: African/African-American, 0.0014%; no homozygotes.

Submission:

Labcorp Genetics (formerly Invitae), Labcorp
Classification: Uncertain significance. Last evaluated: 2022-07-29. Review status: criteria provided, single submitter. Criteria: Invitae Variant Classification Sherloc (09022015). Collection method: clinical testing. Allele origin: germline.
Comment: This sequence change replaces histidine, which is basic and polar, with arginine, which is basic and polar, at codon 245 of the EYS protein (p.His245Arg). This variant is present in population databases (no rsID available, gnomAD 0.01%). This variant has not been reported in the literature in individuals affected with EYS-related conditions. Algorithms developed to predict the effect of missense changes on protein structure and function are either unavailable or do not agree on the potential impact of this missense change (SIFT: "Tolerated"; PolyPhen-2: "Possibly Damaging"; Align-GVGD: "Class C0"). In summary, the available evidence is currently insufficient to determine the role of this variant in disease. Therefore, it has been classified as a Variant of Uncertain Significance.

NM_001142800.2(EYS):c.734A>G (p.His245Arg)

Gene: EYS (eyes shut homolog; minus strand). Cytogenetic location: 6q12.
Variant type: single nucleotide variant.
Coding change: c.734A>G on transcript NM_001142800.2 (MANE Select); coding-DNA position 734, A replaced by G.
Protein change: p.His245Arg; replaces histidine 245 with arginine.
Molecular consequence: missense variant.
Genome position (GRCh38, 1-based): chr6:65,494,677, T>C on the plus strand (A>G on the coding strand, the complement: EYS is on the minus strand). VCF-style: chr6-65494677-T-C. GRCh37 (hg19) VCF-style: chr6-66204570-T-C.
Other names: c.734A>G, p.His245Arg (NM_001142801.2, NM_001292009.2, NM_198283.2); short protein forms H245R.
Identifiers: ClinVar variation 2163115 (VCV002163115.1), dbSNP rs1228915156, ClinGen allele CA364789249.
Genomic context (GRCh38, chr6:65,494,677, plus strand): 5'-TGTGTTTCTCTATTTTAATAAAATTATATATTTTAAACAATCTTACCTGTAAATGGTGGG[T>C]GACAGACACATTCATATGCTTGCTCATCCCAATTTTCTCTTTTATTAATGCAACTGCCAT-3'
Protein context (NP_001136272.1, residues 235-255): WDEQAYECVC[His245Arg]PPFTGKNCSE